The following is an entry in ClinVar:

NM_033109.5(PNPT1):c.1074-12A>G

Gene: PNPT1 (polyribonucleotide nucleotidyltransferase 1; minus strand). Cytogenetic location: 2p16.1.
Variant type: single nucleotide variant.
Coding change: c.1074-12A>G on transcript NM_033109.5 (MANE Select); 12 bases into the intron before coding-DNA position 1074, A replaced by G.
Molecular consequence: intron variant.
Genome position (GRCh38, 1-based): chr2:55,667,105, T>C on the plus strand (A>G on the coding strand, the complement: PNPT1 is on the minus strand). VCF-style: chr2-55667105-T-C. GRCh37 (hg19) VCF-style: chr2-55894240-T-C.
Identifiers: ClinVar variation 391217 (VCV000391217.8), dbSNP rs374508862, ClinGen allele CA1668229.

ClinVar aggregate classification (germline): Likely benign. Review status: criteria provided, multiple submitters, no conflicts (2 of 4 stars). 2 submissions from 2 submitters: Likely benign (2). Last evaluated 2025-10-20.

Allele frequency attached by ClinVar (database versions not stated): gnomAD 0.00002; TOPMed 0.00002; gnomAD exomes 0.00003; ExAC 0.00004; ESP Exome Variant Server 0.00008.
gnomAD v4.1: 71 of 1,597,432 alleles (0.0044%); highest among the groups gnomAD compares: Non-Finnish European, 0.0058%; no homozygotes.

Submissions (2):

Labcorp Genetics (formerly Invitae), Labcorp
Classification: Likely benign. Last evaluated: 2025-10-20. Review status: criteria provided, single submitter. Criteria: Invitae Variant Classification Sherloc (09022015). Collection method: clinical testing. Allele origin: germline.

GeneDx
Classification: Likely benign. Last evaluated: 2016-12-27. Review status: criteria provided, single submitter. Criteria: GeneDx Variant Classification (06012015). Collection method: clinical testing. Allele origin: germline. Affected: yes.
Comment: This variant is considered likely benign or benign based on one or more of the following criteria: it is a conservative change, it occurs at a poorly conserved position in the protein, it is predicted to be benign by multiple in silico algorithms, and/or has population frequency not consistent with disease.